The following is an entry in ClinVar:

NM_172107.4(KCNQ2):c.753C>G (p.Tyr251Ter)

Gene: KCNQ2 (potassium voltage-gated channel subfamily Q member 2; minus strand). Cytogenetic location: 20q13.33.
Variant type: single nucleotide variant.
Coding change: c.753C>G on transcript NM_172107.4 (MANE Select); coding-DNA position 753, C replaced by G.
Protein change: p.Tyr251Ter; replaces tyrosine 251 with a stop codon.
Molecular consequence: nonsense.
Genome position (GRCh38, 1-based): chr20:63,442,469, G>C on the plus strand (C>G on the coding strand, the complement: KCNQ2 is on the minus strand). VCF-style: chr20-63442469-G-C. GRCh37 (hg19) VCF-style: chr20-62073822-G-C.
Other names: c.753C>G, p.Tyr251Ter (NM_001382235.1, NM_004518.6, NM_172106.3 and 2 more transcripts); short protein forms Y251*.
Identifiers: ClinVar variation 1324608 (VCV001324608.11), dbSNP rs2145735982, ClinGen allele CA409653899.

ClinVar aggregate classification (germline): Pathogenic/Likely pathogenic. Review status: criteria provided, multiple submitters, no conflicts (2 of 4 stars). 3 submissions from 3 submitters: Pathogenic (2); Likely pathogenic (1). Last evaluated 2023-10-02.

Conditions:
Early-infantile DEE. Also called: Ohtahara syndrome; Early infantile epileptic encephalopathy; Early infantile epileptic encephalopathy with suppression bursts. Identifiers: Orphanet 1934, MedGen C0393706, MONDO:0800491.

Submissions (3):

GeneDx
Classification: Pathogenic. Last evaluated: 2023-10-02. Review status: criteria provided, single submitter. Criteria: GeneDx Variant Classification Process June 2021. Collection method: clinical testing. Allele origin: germline. Affected: yes.
Comment: Nonsense variant predicted to result in protein truncation or nonsense mediated decay in a gene for which loss of function is a known mechanism of disease; Not observed at significant frequency in large population cohorts (gnomAD); Has not been previously published as pathogenic or benign to our knowledge

Labcorp Genetics (formerly Invitae), Labcorp
Classification: Pathogenic for Early-infantile DEE. Last evaluated: 2021-02-16. Review status: criteria provided, single submitter. Criteria: Invitae Variant Classification Sherloc (09022015). Collection method: clinical testing. Allele origin: germline.
Comment: This sequence change creates a premature translational stop signal (p.Tyr251*) in the KCNQ2 gene. It is expected to result in an absent or disrupted protein product. Loss-of-function variants in KCNQ2 are known to be pathogenic (PMID: 14534157, 23692823, 27779742). This variant is not present in population databases (ExAC no frequency). This variant has not been reported in the literature in individuals with KCNQ2-related conditions. Algorithms developed to predict the effect of sequence changes on RNA splicing suggest that this variant may create or strengthen a splice site, but this prediction has not been confirmed by published transcriptional studies. For these reasons, this variant has been classified as Pathogenic.

Revvity Omics, Revvity
Classification: Likely pathogenic. Last evaluated: 2020-12-10. Review status: criteria provided, single submitter. Criteria: ACMG Guidelines, 2015. Collection method: clinical testing. Allele origin: germline.

Literature cited by the submitters: PubMed 14534157 (cited by Labcorp Genetics (formerly Invitae), Labcorp); PubMed 23692823 (cited by Labcorp Genetics (formerly Invitae), Labcorp); PubMed 27779742 (cited by Labcorp Genetics (formerly Invitae), Labcorp).